The following is an entry in ClinVar:

ClinVar aggregate classification (germline): Benign. Review status: criteria provided, multiple submitters, no conflicts (2 of 4 stars). 7 submissions from 7 submitters: Benign (6). 1 of the submissions does not count toward it. Last evaluated 2026-05-05.

Conditions:
CNNM2-related disorder. Also called: CNNM2-related condition.
Renal hypomagnesemia 6. Identifiers: Orphanet 34527, MedGen C3151295, MONDO:0013480, OMIM 613882.

Allele frequency attached by ClinVar (database versions not stated): ESP Exome Variant Server 0.00092; gnomAD 0.00253 and 0.00410; TOPMed 0.00359; gnomAD exomes 0.00395 and 0.00882; ExAC 0.00900; 1000 Genomes Project 30x 0.01640; 1000 Genomes Project 0.01837.
gnomAD v4.1: 6,456 of 1,613,928 alleles (0.4%); highest among the groups gnomAD compares: East Asian, 7.6%; 188 homozygotes.

Submissions (7):

Revvity Omics, Revvity
Classification: Benign. Last evaluated: 2026-05-05. Review status: criteria provided, single submitter. Criteria: ACMG Guidelines, 2015. Collection method: clinical testing. Allele origin: germline.

Labcorp Genetics (formerly Invitae), Labcorp
Classification: Benign. Last evaluated: 2026-02-01. Review status: criteria provided, single submitter. Criteria: Invitae Variant Classification Sherloc (09022015). Collection method: clinical testing. Allele origin: germline.

Mayo Clinic Laboratories, Mayo Clinic
Classification: Benign. Last evaluated: 2022-03-09. Review status: criteria provided, single submitter. Criteria: ACMG Guidelines, 2015. Collection method: clinical testing. Allele origin: germline. Observed: 2 variant alleles.

GeneDx
Classification: Benign. Last evaluated: 2020-08-28. Review status: criteria provided, single submitter. Criteria: GeneDx Variant Classification Process June 2021. Collection method: clinical testing. Allele origin: germline. Affected: yes.

Illumina Laboratory Services, Illumina
Classification: Benign for Renal hypomagnesemia 6. Last evaluated: 2018-01-12. Review status: criteria provided, single submitter. Criteria: ICSL Variant Classification Criteria 13 December 2019. Collection method: clinical testing. Allele origin: germline.
Comment: This variant was observed in the ICSL laboratory as part of a predisposition screen in an ostensibly healthy population. It had not been previously curated by ICSL or reported in the Human Gene Mutation Database (HGMD: prior to June 1st, 2018), and was therefore a candidate for classification through an automated scoring system. Utilizing variant allele frequency, disease prevalence and penetrance estimates, and inheritance mode, an automated score was calculated to assess if this variant is too frequent to cause the disease. Based on the score and internal cut-off values, a variant classified as benign is not then subjected to further curation. The score for this variant resulted in a classification of benign for this disease.

Breakthrough Genomics
Classification: Benign. Review status: criteria provided, single submitter. Criteria: ACMG Guidelines, 2015. Collection method: not provided. Allele origin: germline. Inheritance: Autosomal dominant inheritance. Affected: yes.

PreventionGenetics, part of Exact Sciences
Classification: Benign for CNNM2-related condition. Last evaluated: 2019-09-05. Review status: no assertion criteria provided. Collection method: clinical testing. Allele origin: germline. Not counted in ClinVar's aggregate classification.
Comment: This variant is classified as benign based on ACMG/AMP sequence variant interpretation guidelines (Richards et al. 2015 PMID: 25741868, with internal and published modifications).

NM_017649.5(CNNM2):c.1134C>T (p.Leu378=)

Gene: CNNM2 (cyclin and CBS domain divalent metal cation transport mediator 2; plus strand). Cytogenetic location: 10q24.32.
Variant type: single nucleotide variant.
Coding change: c.1134C>T on transcript NM_017649.5 (MANE Select); coding-DNA position 1134, C replaced by T.
Protein change: p.Leu378=; no amino-acid change (leucine 378 retained).
Molecular consequence: synonymous variant.
Genome position (GRCh38, 1-based): chr10:102,919,614, C>T. VCF-style: chr10-102919614-C-T. GRCh37 (hg19) VCF-style: chr10-104679371-C-T.
Other names: p.Leu378=; c.1134C>T, p.Leu378= (NM_199076.3, NM_199077.3).
Identifiers: ClinVar variation 298641 (VCV000298641.20), dbSNP rs2297785, ClinGen allele CA5670357.